The following is an entry in ClinVar:

ClinVar aggregate classification (germline): Uncertain significance (1 of 4 stars; one submission).

Conditions:
Heterotaxy, visceral, 4, autosomal (HTX4). Identifiers: Orphanet 450, MedGen C3151057, MONDO:0013403, OMIM 613751.

Allele frequency attached by ClinVar (database versions not stated): gnomAD exomes below 0.00001.
gnomAD v4.1: 1 of 1,614,058 alleles (0.000062%); highest among the groups gnomAD compares: East Asian, 0.0022%; no homozygotes.

Submission:

Labcorp Genetics (formerly Invitae), Labcorp
Classification: Uncertain significance for Heterotaxy, visceral, 4, autosomal. Last evaluated: 2021-04-11. Review status: criteria provided, single submitter. Criteria: Invitae Variant Classification Sherloc (09022015). Collection method: clinical testing. Allele origin: germline.
Comment: This variant is not present in population databases (ExAC no frequency). In summary, the available evidence is currently insufficient to determine the role of this variant in disease. Therefore, it has been classified as a Variant of Uncertain Significance. Advanced modeling of protein sequence and biophysical properties (such as structural, functional, and spatial information, amino acid conservation, physicochemical variation, residue mobility, and thermodynamic stability) performed at Invitae indicates that this missense variant is not expected to disrupt ACVR2B protein function. This variant has not been reported in the literature in individuals with ACVR2B-related conditions. This sequence change replaces histidine with tyrosine at codon 115 of the ACVR2B protein (p.His115Tyr). The histidine residue is highly conserved and there is a moderate physicochemical difference between histidine and tyrosine.

NM_001106.4(ACVR2B):c.343C>T (p.His115Tyr)

Gene: ACVR2B (activin A receptor type 2B; plus strand). Cytogenetic location: 3p22.2.
Variant type: single nucleotide variant.
Coding change: c.343C>T on transcript NM_001106.4 (MANE Select); coding-DNA position 343, C replaced by T.
Protein change: p.His115Tyr; replaces histidine 115 with tyrosine.
Molecular consequence: missense variant.
Genome position (GRCh38, 1-based): chr3:38,477,943, C>T. VCF-style: chr3-38477943-C-T. GRCh37 (hg19) VCF-style: chr3-38519434-C-T.
Other names: short protein forms H115Y.
Identifiers: ClinVar variation 1426139 (VCV001426139.8), dbSNP rs2125722719, ClinGen allele CA352127822.